The following is an entry in ClinVar:

NM_001904.4(CTNNB1):c.1801C>T (p.Gln601Ter)

Gene: CTNNB1 (catenin beta 1; plus strand). Cytogenetic location: 3p22.1.
Variant type: single nucleotide variant.
Coding change: c.1801C>T on transcript NM_001904.4 (MANE Select); coding-DNA position 1801, C replaced by T.
Protein change: p.Gln601Ter; replaces glutamine 601 with a stop codon.
Molecular consequence: nonsense.
Genome position (GRCh38, 1-based): chr3:41,235,841, C>T. VCF-style: chr3-41235841-C-T. GRCh37 (hg19) VCF-style: chr3-41277332-C-T.
Other names: c.1801C>T, p.Gln601Ter (NM_001098209.2, NM_001098210.2); c.1780C>T, p.Gln594Ter (NM_001330729.2); short protein forms Q594*, Q601*.
Identifiers: ClinVar variation 3901491 (VCV003901491.1).
Genomic context (GRCh38, chr3:41,235,841, plus strand): 5'-GCTCGGGATGTTCACAACCGAATTGTTATCAGAGGACTAAATACCATTCCATTGTTTGTG[C>T]AGGTATGTTTTAAGTGAAGTGTTCTAGGTTTTATGTCCATAAAATTTCCAGATTGTAATG-3'

ClinVar aggregate classification (germline): Pathogenic (1 of 4 stars; one submission).

Submission:

GeneDx
Classification: Pathogenic. Last evaluated: 2024-12-09. Review status: criteria provided, single submitter. Criteria: GeneDx Variant Classification Process June 2021. Collection method: clinical testing. Allele origin: germline. Affected: yes.
Comment: Nonsense variant predicted to result in protein truncation or nonsense mediated decay in a gene for which loss of function is a known mechanism of disease; Not observed at significant frequency in large population cohorts (gnomAD); This variant is associated with the following publications: (PMID: 31785789, 33057194, 35982159, 27915094)